The following is an entry in ClinVar:

NM_012470.4(TNPO3):c.1592G>A (p.Arg531Gln)

Gene: TNPO3 (transportin 3; minus strand). Cytogenetic location: 7q32.1.
Variant type: single nucleotide variant.
Coding change: c.1592G>A on transcript NM_012470.4 (MANE Select); coding-DNA position 1592, G replaced by A.
Protein change: p.Arg531Gln; replaces arginine 531 with glutamine.
Molecular consequence: missense variant. On other transcripts: non-coding transcript variant (18), intron variant (2).
Genome position (GRCh38, 1-based): chr7:128,986,827, C>T on the plus strand (G>A on the coding strand, the complement: TNPO3 is on the minus strand). VCF-style: chr7-128986827-C-T. GRCh37 (hg19) VCF-style: chr7-128626881-C-T.
Other names: c.1592G>A (NM_012470.3); c.1694G>A, p.Arg565Gln (NM_001382216.1); c.1673G>A, p.Arg558Gln (NM_001382217.1); c.1592G>A, p.Arg531Gln (NM_001382218.1, NM_001382220.1); c.1484G>A, p.Arg495Gln (NM_001382219.1); c.1448G>A, p.Arg483Gln (NM_001382221.1); c.1445G>A, p.Arg482Gln (NM_001382222.1); c.1499-2568G>A (NM_001382223.1, NM_001191028.3); short protein forms R483Q, R482Q, R495Q, R565Q, R531Q, R558Q.
Identifiers: ClinVar variation 1922909 (VCV001922909.8), dbSNP rs767338890, ClinGen allele CA4478101.

ClinVar aggregate classification (germline): Uncertain significance. Review status: criteria provided, multiple submitters, no conflicts (2 of 4 stars). 2 submissions from 2 submitters: Uncertain significance (2). Last evaluated 2025-01-22.

Conditions:
Autosomal dominant limb-girdle muscular dystrophy type 1F (LGMDD2). Also called: Limb-girdle muscular dystrophy, type 1F; MUSCULAR DYSTROPHY, LIMB-GIRDLE, AUTOSOMAL DOMINANT 2. Identifiers: Orphanet 55595, MedGen C1842062, MONDO:0012034, OMIM 608423.

Allele frequency attached by ClinVar (database versions not stated): ExAC 0.00001; gnomAD 0.00001; TOPMed 0.00002; gnomAD exomes 0.00004.
gnomAD v4.1: 59 of 1,613,950 alleles (0.0037%); highest among the groups gnomAD compares: Non-Finnish European, 0.0047%; no homozygotes.

Submissions (2):

Labcorp Genetics (formerly Invitae), Labcorp
Classification: Uncertain significance for Autosomal dominant limb-girdle muscular dystrophy type 1F. Last evaluated: 2025-01-22. Review status: criteria provided, single submitter. Criteria: Invitae Variant Classification Sherloc (09022015). Collection method: clinical testing. Allele origin: germline.
Comment: This sequence change replaces arginine, which is basic and polar, with glutamine, which is neutral and polar, at codon 531 of the TNPO3 protein (p.Arg531Gln). This variant is present in population databases (rs767338890, gnomAD 0.002%). This variant has not been reported in the literature in individuals affected with TNPO3-related conditions. ClinVar contains an entry for this variant (Variation ID: 1922909). Invitae Evidence Modeling of protein sequence and biophysical properties (such as structural, functional, and spatial information, amino acid conservation, physicochemical variation, residue mobility, and thermodynamic stability) indicates that this missense variant is not expected to disrupt TNPO3 protein function with a negative predictive value of 80%. In summary, the available evidence is currently insufficient to determine the role of this variant in disease. Therefore, it has been classified as a Variant of Uncertain Significance.

Revvity Omics, Revvity
Classification: Uncertain significance for Autosomal dominant limb-girdle muscular dystrophy type 1F. Last evaluated: 2023-03-10. Review status: criteria provided, single submitter. Criteria: ACMG Guidelines, 2015. Collection method: clinical testing. Allele origin: germline.